The following is an entry in ClinVar:

NM_006389.5(HYOU1):c.2013G>T (p.Glu671Asp)

Gene: HYOU1 (hypoxia up-regulated 1; minus strand). Cytogenetic location: 11q23.3.
Variant type: single nucleotide variant.
Coding change: c.2013G>T on transcript NM_006389.5 (MANE Select); coding-DNA position 2013, G replaced by T.
Protein change: p.Glu671Asp; replaces glutamic acid 671 with aspartic acid.
Molecular consequence: missense variant.
Genome position (GRCh38, 1-based): chr11:119,048,866, C>A on the plus strand (G>T on the coding strand, the complement: HYOU1 is on the minus strand). VCF-style: chr11-119048866-C-A. GRCh37 (hg19) VCF-style: chr11-118919578-C-A.
Other names: c.2013G>T, p.Glu671Asp (NM_001130991.3, NM_001411041.1); short protein forms E671D.
Identifiers: ClinVar variation 4780430 (VCV004780430.1).
Genomic context (GRCh38, chr11:119,048,866, plus strand): 5'-CCTGGCGGGCTTCTGCTTCTTCTCTCCCTCTGGGGCTGGAGCGACGCCCTCAGGCCCTGC[C>A]TCTGCCTTCTCACTTGGTTTCTGGGTGGGAAGAGTCAGGGGTGTCAGGAAAAGCCTCTGC-3'
Protein context (NP_006380.1, residues 661-681): SEAQKPSEKA[Glu671Asp]AGPEGVAPAP

ClinVar aggregate classification (germline): Uncertain significance (1 of 4 stars; one submission).

Submission:

Labcorp Genetics (formerly Invitae), Labcorp
Classification: Uncertain significance. Last evaluated: 2025-08-09. Review status: criteria provided, single submitter. Criteria: Invitae Variant Classification Sherloc (09022015). Collection method: clinical testing. Allele origin: germline.
Comment: This sequence change replaces glutamic acid, which is acidic and polar, with aspartic acid, which is acidic and polar, at codon 671 of the HYOU1 protein (p.Glu671Asp). The frequency data for this variant in the population databases is considered unreliable, as metrics indicate poor data quality at this position in the gnomAD database. This variant has not been reported in the literature in individuals affected with HYOU1-related conditions. An algorithm developed to predict the effect of missense changes on protein structure and function outputs the following: PolyPhen-2: "Benign". The aspartic acid amino acid residue is found in multiple mammalian species, which suggests that this missense change does not adversely affect protein function. In summary, the available evidence is currently insufficient to determine the role of this variant in disease. Therefore, it has been classified as a Variant of Uncertain Significance.